The following is an entry in ClinVar:

ClinVar aggregate classification (germline): Uncertain significance. Review status: criteria provided, multiple submitters, no conflicts (2 of 4 stars). 2 submissions from 2 submitters: Uncertain significance (2). Last evaluated 2025-11-05.

Allele frequency attached by ClinVar (database versions not stated): TOPMed below 0.00001; ExAC 0.00001; gnomAD exomes 0.00002.
gnomAD v4.1: 3 of 1,613,978 alleles (0.00019%); highest among the groups gnomAD compares: Admixed American, 0.005%; no homozygotes.

Submissions (2):

Labcorp Genetics (formerly Invitae), Labcorp
Classification: Uncertain significance. Last evaluated: 2025-11-05. Review status: criteria provided, single submitter. Criteria: Invitae Variant Classification Sherloc (09022015). Collection method: clinical testing. Allele origin: germline.
Comment: This sequence change replaces threonine, which is neutral and polar, with isoleucine, which is neutral and non-polar, at codon 592 of the CLCN6 protein (p.Thr592Ile). This variant is present in population databases (rs772557114, gnomAD 0.01%). This variant has not been reported in the literature in individuals affected with CLCN6-related conditions. ClinVar contains an entry for this variant (Variation ID: 1515433). An algorithm developed to predict the effect of missense changes on protein structure and function (PolyPhen-2) suggests that this variant is likely to be tolerated. In summary, the available evidence is currently insufficient to determine the role of this variant in disease. Therefore, it has been classified as a Variant of Uncertain Significance.

Breakthrough Genomics
Classification: Uncertain significance. Review status: criteria provided, single submitter. Criteria: ACMG Guidelines, 2015. Collection method: not provided. Allele origin: germline. Inheritance: Autosomal dominant inheritance. Affected: yes.

NM_001286.5(CLCN6):c.1775C>T (p.Thr592Ile)

Gene: CLCN6 (chloride voltage-gated channel 6; plus strand). Cytogenetic location: 1p36.22.
Variant type: single nucleotide variant.
Coding change: c.1775C>T on transcript NM_001286.5 (MANE Select); coding-DNA position 1775, C replaced by T.
Protein change: p.Thr592Ile; replaces threonine 592 with isoleucine.
Molecular consequence: missense variant. On other transcripts: non-coding transcript variant (1).
Genome position (GRCh38, 1-based): chr1:11,834,572, C>T. VCF-style: chr1-11834572-C-T. GRCh37 (hg19) VCF-style: chr1-11894629-C-T.
Other names: c.1709C>T, p.Thr570Ile (NM_001256959.2); short protein forms T570I, T592I.
Identifiers: ClinVar variation 1515433 (VCV001515433.7), dbSNP rs772557114, ClinGen allele CA596604.
Genomic context (GRCh38, chr1:11,834,572, plus strand): 5'-ATAAGGGCATTTATGATATCCACGTGGGCCTGCGAGGCGTGCCGCTTCTGGAATGGGAGA[C>T]AGAGGTGGAAATGGACAAGTAAGGCCATGATTTTGCTCATGTCCTAGTTTCAGAATGTAT-3'
Protein context (NP_001277.2, residues 582-602): LRGVPLLEWE[Thr592Ile]EVEMDKLRAS